The following is an entry in ClinVar:

ClinVar aggregate classification (germline): Pathogenic (1 of 4 stars; one submission).

Conditions:
Cerebral cavernous malformation 3. Also called: Familial Cerebral Cavernous Malformation 3. Identifiers: Orphanet 221061, MedGen C1864040, MONDO:0011305, OMIM 603285.

Submission:

Labcorp Genetics (formerly Invitae), Labcorp
Classification: Pathogenic for Cerebral cavernous malformations 3. Last evaluated: 2018-12-18. Review status: criteria provided, single submitter. Criteria: Invitae Variant Classification Sherloc (09022015). Collection method: clinical testing. Allele origin: germline.
Comment: A gross deletion of the genomic region encompassing the full coding sequence of the PDCD10 gene has been identified. The boundaries of this event are unknown as the deletion extends beyond the assayed region for this gene and therefore may encompass additional genes. Similar deletions of PDCD10 (also known as the CCM3 gene) have been observed in individuals affected with cavernous malformations (PMID:Â¬â€ 18060436,Â¬â€ 20623299) and one larger deletion including neighboring genes occurred de novo (PMID:Â¬â€ 15543491). Loss-of-function variants in PDCD10 are known to be pathogenic (PMID: 15543491, 18300272, 23801932). For these reasons, this variant has been classified as Pathogenic.

NC_000003.12:g.(?_167684288)_(167720177_?)del

Genes: PDCD10 (programmed cell death 10; minus strand), LOC129937855 (ATAC-STARR-seq lymphoblastoid silent region 14866; plus strand). Cytogenetic location: 3q26.1.
Variant type: Deletion.
Identifiers: ClinVar variation 639871 (VCV000639871.1).